The following is an entry in ClinVar:

NM_006158.5(NEFL):c.1276G>A (p.Gly426Ser)

Gene: NEFL (neurofilament light chain; minus strand). Cytogenetic location: 8p21.2.
Variant type: single nucleotide variant.
Coding change: c.1276G>A on transcript NM_006158.5 (MANE Select); coding-DNA position 1276, G replaced by A.
Protein change: p.Gly426Ser; replaces glycine 426 with serine.
Molecular consequence: missense variant.
Genome position (GRCh38, 1-based): chr8:24,953,689, C>T on the plus strand (G>A on the coding strand, the complement: NEFL is on the minus strand). VCF-style: chr8-24953689-C-T. GRCh37 (hg19) VCF-style: chr8-24811203-C-T.
Other names: short protein forms G426S.
Identifiers: ClinVar variation 916807 (VCV000916807.7), dbSNP rs372245403, ClinGen allele CA4681302.

ClinVar aggregate classification (germline): Uncertain significance. Review status: criteria provided, multiple submitters, no conflicts (2 of 4 stars). 3 submissions from 3 submitters: Uncertain significance (3). Last evaluated 2026-04-24.

Conditions:
Charcot-Marie-Tooth disease. Also called: Charcot-Marie-Tooth Neuropathy; Charcot-Marie-Tooth Hereditary Neuropathy. Identifiers: Orphanet 166, MedGen C0007959, MONDO:0015626.
Charcot-Marie-Tooth disease type 2E (CMT2E). Also called: CHARCOT-MARIE-TOOTH NEUROPATHY, TYPE 2E; CHARCOT-MARIE-TOOTH DISEASE, AXONAL, TYPE 2E. Identifiers: Orphanet 99939, MedGen C1843225, MONDO:0011894, OMIM 607684.
NEFL-related disorder. Also called: NEFL-related condition.

Allele frequency attached by ClinVar (database versions not stated): gnomAD exomes 0.00002; ExAC 0.00004; ESP Exome Variant Server 0.00008; gnomAD 0.00008 and 0.00010; TOPMed 0.00008.
gnomAD v4.1: 41 of 1,613,830 alleles (0.0025%); highest among the groups gnomAD compares: African/African-American, 0.024%; no homozygotes.

Submissions (3):

PreventionGenetics, part of Exact Sciences
Classification: Uncertain significance for NEFL-related condition. Last evaluated: 2026-04-24. Review status: criteria provided, single submitter. Criteria: ACMG Guidelines, 2015. Collection method: clinical testing. Allele origin: germline.
Comment: The NEFL c.1276G>A variant is predicted to result in the amino acid substitution p.Gly426Ser. This variant was reported as a variant of uncertain significance in an individual from a large cohort study of Charcot-Marie-Tooth disease; however, additional evidence was not provided (Supp. Table 2, Volodarsky et al. 2021. PubMed ID: 32376792). This variant is reported in 0.025% of alleles in individuals of African descent in gnomAD. At this time, the clinical significance of this variant is uncertain due to the absence of conclusive functional and genetic evidence.

Labcorp Genetics (formerly Invitae), Labcorp
Classification: Uncertain significance for Charcot-Marie-Tooth disease type 2E. Last evaluated: 2025-12-29. Review status: criteria provided, single submitter. Criteria: Invitae Variant Classification Sherloc (09022015). Collection method: clinical testing. Allele origin: germline.
Comment: This sequence change replaces glycine, which is neutral and non-polar, with serine, which is neutral and polar, at codon 426 of the NEFL protein (p.Gly426Ser). This variant is present in population databases (rs372245403, gnomAD 0.03%). This missense change has been observed in individual(s) with clinical features of Charcot-Marie-Tooth disease (PMID: 32376792). ClinVar contains an entry for this variant (Variation ID: 916807). Invitae Evidence Modeling of protein sequence and biophysical properties (such as structural, functional, and spatial information, amino acid conservation, physicochemical variation, residue mobility, and thermodynamic stability) has been performed for this missense variant. However, the output from this modeling did not meet the statistical confidence thresholds required to predict the impact of this variant on NEFL protein function. In summary, the available evidence is currently insufficient to determine the role of this variant in disease. Therefore, it has been classified as a Variant of Uncertain Significance.

Molecular Genetics Laboratory, London Health Sciences Centre
Classification: Uncertain significance for Charcot-Marie-Tooth disease. Review status: criteria provided, single submitter. Criteria: ACMG Guidelines, 2015. Collection method: clinical testing. Allele origin: germline. Affected: yes.

Literature cited by the submitters: PubMed 32376792 (cited by Labcorp Genetics (formerly Invitae), Labcorp).